The following is an entry in ClinVar:

ClinVar aggregate classification (germline): Uncertain significance (1 of 4 stars; one submission).

Allele frequency attached by ClinVar (database versions not stated): TOPMed below 0.00001.

Submission:

Labcorp Genetics (formerly Invitae), Labcorp
Classification: Uncertain significance. Last evaluated: 2022-03-26. Review status: criteria provided, single submitter. Criteria: Invitae Variant Classification Sherloc (09022015). Collection method: clinical testing. Allele origin: germline.
Comment: This variant has not been reported in the literature in individuals affected with ITGAM-related conditions. This variant is not present in population databases (gnomAD no frequency). This sequence change falls in intron 6 of the ITGAM gene. It does not directly change the encoded amino acid sequence of the ITGAM protein. Algorithms developed to predict the effect of sequence changes on RNA splicing suggest that this variant may disrupt the consensus splice site. In summary, the available evidence is currently insufficient to determine the role of this variant in disease. Therefore, it has been classified as a Variant of Uncertain Significance.

NM_000632.4(ITGAM):c.558+19G>A

Gene: ITGAM (integrin subunit alpha M; plus strand). Cytogenetic location: 16p11.2.
Variant type: single nucleotide variant.
Coding change: c.558+19G>A on transcript NM_000632.4 (MANE Select); 19 bases into the intron after coding-DNA position 558, G replaced by A.
Molecular consequence: intron variant.
Genome position (GRCh38, 1-based): chr16:31,271,103, G>A. VCF-style: chr16-31271103-G-A. GRCh37 (hg19) VCF-style: chr16-31282424-G-A.
Other names: c.558+19G>A (NM_001145808.2).
Identifiers: ClinVar variation 2042257 (VCV002042257.4), dbSNP rs2079834870, ClinGen allele CA2216997995.